The following is an entry in ClinVar:

ClinVar aggregate classification (germline): Uncertain significance. Review status: criteria provided, multiple submitters, no conflicts (2 of 4 stars). 2 submissions from 2 submitters: Uncertain significance (2). Last evaluated 2024-01-02.

Conditions:
Inborn genetic diseases. Identifiers: MedGen C0950123, MeSH D030342.
Perlman syndrome (PRLMNS). Identifiers: Orphanet 2849, MedGen C0796113, MONDO:0009965, OMIM 267000.

gnomAD v4.1: 4 of 1,599,920 alleles (0.00025%); highest among the groups gnomAD compares: Non-Finnish European, 0.00034%; no homozygotes.

Submissions (2):

Ambry Genetics
Classification: Uncertain significance for Inborn genetic diseases. Last evaluated: 2024-01-02. Review status: criteria provided, single submitter. Criteria: Ambry Variant Classification Scheme 2023. Collection method: clinical testing. Allele origin: germline.

Labcorp Genetics (formerly Invitae), Labcorp
Classification: Uncertain significance for Perlman syndrome. Last evaluated: 2021-08-24. Review status: criteria provided, single submitter. Criteria: Invitae Variant Classification Sherloc (09022015). Collection method: clinical testing. Allele origin: germline.
Comment: This sequence change replaces arginine with glutamine at codon 92 of the DIS3L2 protein (p.Arg92Gln). The arginine residue is moderately conserved and there is a small physicochemical difference between arginine and glutamine. This variant is not present in population databases (ExAC no frequency). This variant has not been reported in the literature in individuals affected with DIS3L2-related conditions. Algorithms developed to predict the effect of missense changes on protein structure and function are either unavailable or do not agree on the potential impact of this missense change (SIFT: "Tolerated"; PolyPhen-2: "Possibly Damaging"; Align-GVGD: "Class C0"). In summary, the available evidence is currently insufficient to determine the role of this variant in disease. Therefore, it has been classified as a Variant of Uncertain Significance.

NM_152383.5(DIS3L2):c.275G>A (p.Arg92Gln)

Gene: DIS3L2 (DIS3 like 3'-5' exoribonuclease 2; plus strand). Cytogenetic location: 2q37.1.
Variant type: single nucleotide variant.
Coding change: c.275G>A on transcript NM_152383.5 (MANE Select); coding-DNA position 275, G replaced by A.
Protein change: p.Arg92Gln; replaces arginine 92 with glutamine.
Molecular consequence: missense variant. On other transcripts: non-coding transcript variant (2).
Genome position (GRCh38, 1-based): chr2:232,029,989, G>A. VCF-style: chr2-232029989-G-A. GRCh37 (hg19) VCF-style: chr2-232894699-G-A.
Other names: c.275G>A, p.Arg92Gln (NM_001257281.2, NM_001257282.2); short protein forms R92Q.
Identifiers: ClinVar variation 863427 (VCV000863427.7), dbSNP rs1024112188, ClinGen allele CA351152863.